The following is an entry in ClinVar:

NM_198576.4(AGRN):c.5629T>G (p.Tyr1877Asp)

Gene: AGRN (agrin; plus strand). Cytogenetic location: 1p36.33.
Variant type: single nucleotide variant.
Coding change: c.5629T>G on transcript NM_198576.4 (MANE Select); coding-DNA position 5629, T replaced by G.
Protein change: p.Tyr1877Asp; replaces tyrosine 1877 with aspartic acid.
Molecular consequence: missense variant.
Genome position (GRCh38, 1-based): chr1:1,051,793, T>G. VCF-style: chr1-1051793-T-G. GRCh37 (hg19) VCF-style: chr1-987173-T-G.
Other names: c.5641T>G, p.Tyr1881Asp (NM_001305275.2); c.5326T>G, p.Tyr1776Asp (NM_001364727.2); short protein forms Y1776D, Y1881D, Y1877D.
Identifiers: ClinVar variation 953603 (VCV000953603.10), dbSNP rs755383095, ClinGen allele CA510114.

ClinVar aggregate classification (germline): Uncertain significance (1 of 4 stars; one submission).

Conditions:
Congenital myasthenic syndrome 8. Also called: MYASTHENIC SYNDROME, CONGENITAL, DUE TO AGRIN DEFICIENCY; Myasthenic syndrome, congenital, 8, with pre- and postsynaptic defects. Identifiers: Orphanet 590, MedGen C3808739, MONDO:0014052, OMIM 615120.

Allele frequency attached by ClinVar (database versions not stated): gnomAD exomes below 0.00001 and 0.00001; TOPMed below 0.00001; ExAC 0.00001; gnomAD 0.00001.
gnomAD v4.1: 4 of 1,613,576 alleles (0.00025%); highest among the groups gnomAD compares: Non-Finnish European, 0.00034%; no homozygotes.

Submission:

Labcorp Genetics (formerly Invitae), Labcorp
Classification: Uncertain significance for Congenital myasthenic syndrome 8. Last evaluated: 2024-02-26. Review status: criteria provided, single submitter. Criteria: Invitae Variant Classification Sherloc (09022015). Collection method: clinical testing. Allele origin: germline.
Comment: This sequence change replaces tyrosine, which is neutral and polar, with aspartic acid, which is acidic and polar, at codon 1877 of the AGRN protein (p.Tyr1877Asp). This variant is present in population databases (rs755383095, gnomAD 0.0009%). This missense change has been observed in individual(s) with congenital myasthenic syndrome (PMID: 32271162). ClinVar contains an entry for this variant (Variation ID: 953603). An algorithm developed to predict the effect of missense changes on protein structure and function (PolyPhen-2) suggests that this variant is likely to be disruptive. Experimental studies have shown that this missense change affects AGRN function (PMID: 32271162). In summary, the available evidence is currently insufficient to determine the role of this variant in disease. Therefore, it has been classified as a Variant of Uncertain Significance.

Literature cited by the submitters: PubMed 32271162 (cited by Labcorp Genetics (formerly Invitae), Labcorp).